The following is an entry in ClinVar:

NM_198407.2(GHSR):c.150C>A (p.Cys50Ter)

Gene: GHSR (growth hormone secretagogue receptor; minus strand). Cytogenetic location: 3q26.31.
Variant type: single nucleotide variant.
Coding change: c.150C>A on transcript NM_198407.2 (MANE Select); coding-DNA position 150, C replaced by A.
Protein change: p.Cys50Ter; replaces cysteine 50 with a stop codon.
Molecular consequence: nonsense.
Genome position (GRCh38, 1-based): chr3:172,448,264, G>T on the plus strand (C>A on the coding strand, the complement: GHSR is on the minus strand). VCF-style: chr3-172448264-G-T. GRCh37 (hg19) VCF-style: chr3-172166054-G-T.
Other names: c.150C>A, p.Cys50Ter (NM_004122.2); short protein forms C50*.
Identifiers: ClinVar variation 2629369 (VCV002629369.1), dbSNP rs1320610166, ClinGen allele CA355516435.

ClinVar aggregate classification (germline): Uncertain significance (1 of 4 stars; one submission).

Conditions:
GHSR-related disorder. Also called: GHSR-related condition.

Allele frequency attached by ClinVar (database versions not stated): TOPMed 0.00001.

Submission:

PreventionGenetics, part of Exact Sciences
Classification: Uncertain significance for GHSR-related condition. Last evaluated: 2023-08-04. Review status: criteria provided, single submitter. Criteria: ACMG Guidelines, 2015. Collection method: clinical testing. Allele origin: germline.
Comment: The GHSR c.150C>A variant is predicted to result in premature protein termination (p.Cys50*). To our knowledge, this variant has not been reported in the literature or in a large population database, indicating this variant is rare. Only a limited number of loss of function variants have been documented in GHSR and loss of function is not a well established mechanism of GHSR-related disease (Human Gene Mutation Database). gnomAD gene constraints suggest that the GSHR gene is moderately intolerant of loss of function. Although we suspect that this variant may be pathogenic, at this time, the clinical significance of this variant is uncertain due to the absence of conclusive functional and genetic evidence.